The following is an entry in ClinVar:

ClinVar aggregate classification (germline): Uncertain significance. Review status: criteria provided, multiple submitters, no conflicts (2 of 4 stars). 4 submissions from 4 submitters: Uncertain significance (4). Last evaluated 2026-02-19.

Conditions:
Cardiovascular phenotype. Identifiers: MedGen CN230736.
FLNC-related disorder. Also called: FLNC-related disorders; FLNC-related condition.
Myofibrillar myopathy 5. Also called: Filaminopathy (type); FILAMINOPATHY, AUTOSOMAL DOMINANT. Identifiers: Orphanet 171445, MedGen C1836050, MONDO:0012289, OMIM 609524.
Hypertrophic cardiomyopathy 26. Also called: Cardiomyopathy, familial hypertrophic, 26. Identifiers: Orphanet 75249, MedGen C4310749, MONDO:0014883, OMIM 617047.
Distal myopathy with posterior leg and anterior hand involvement. Also called: WILLIAMS DISTAL MYOPATHY. Identifiers: Orphanet 63273, MedGen C3279722, MONDO:0013550, OMIM 614065.

Allele frequency attached by ClinVar (database versions not stated): TOPMed 0.00002; gnomAD 0.00003.
gnomAD v4.1: 19 of 1,613,954 alleles (0.0012%); highest among the groups gnomAD compares: East Asian, 0.0045%; no homozygotes.

Submissions (4):

PreventionGenetics, part of Exact Sciences
Classification: Uncertain significance for FLNC-related condition. Last evaluated: 2026-02-19. Review status: criteria provided, single submitter. Criteria: ACMG Guidelines, 2015. Collection method: clinical testing. Allele origin: germline.
Comment: The FLNC c.3871C>T variant is predicted to result in the amino acid substitution p.Arg1291Cys. To our knowledge, this variant has not been reported in the literature. This variant is reported in 0.0051% of alleles in individuals of East Asian descent in gnomAD. At this time, the clinical significance of this variant is uncertain due to the absence of conclusive functional and genetic evidence.

Labcorp Genetics (formerly Invitae), Labcorp
Classification: Uncertain significance for Distal myopathy with posterior leg and anterior hand involvement; Myofibrillar myopathy 5; Hypertrophic cardiomyopathy 26. Last evaluated: 2025-08-29. Review status: criteria provided, single submitter. Criteria: Invitae Variant Classification Sherloc (09022015). Collection method: clinical testing. Allele origin: germline.
Comment: This sequence change replaces arginine, which is basic and polar, with cysteine, which is neutral and slightly polar, at codon 1291 of the FLNC protein (p.Arg1291Cys). This variant is present in population databases (rs753591663, gnomAD 0.005%). This variant has not been reported in the literature in individuals affected with FLNC-related conditions. ClinVar contains an entry for this variant (Variation ID: 660170). Invitae Evidence Modeling of protein sequence and biophysical properties (such as structural, functional, and spatial information, amino acid conservation, physicochemical variation, residue mobility, and thermodynamic stability) has been performed for this missense variant. However, the output from this modeling did not meet the statistical confidence thresholds required to predict the impact of this variant on FLNC protein function. In summary, the available evidence is currently insufficient to determine the role of this variant in disease. Therefore, it has been classified as a Variant of Uncertain Significance.

Women's Health and Genetics/Laboratory Corporation of America, LabCorp
Classification: Uncertain significance. Last evaluated: 2025-02-22. Review status: criteria provided, single submitter. Criteria: LabCorp Variant Classification Summary - May 2015. Collection method: clinical testing. Allele origin: germline.

Ambry Genetics
Classification: Uncertain significance for Cardiovascular phenotype. Last evaluated: 2023-12-29. Review status: criteria provided, single submitter. Criteria: Ambry Variant Classification Scheme 2023. Collection method: clinical testing. Allele origin: germline.
Comment: The p.R1291C variant (also known as c.3871C>T), located in coding exon 22 of the FLNC gene, results from a C to T substitution at nucleotide position 3871. The arginine at codon 1291 is replaced by cysteine, an amino acid with highly dissimilar properties. This amino acid position is conserved. In addition, this alteration is predicted to be tolerated by in silico analysis. Since supporting evidence is limited at this time, the clinical significance of this alteration remains unclear.

NM_001458.5(FLNC):c.3871C>T (p.Arg1291Cys)

Gene: FLNC (filamin C; plus strand). Cytogenetic location: 7q32.1.
Variant type: single nucleotide variant.
Coding change: c.3871C>T on transcript NM_001458.5 (MANE Select); coding-DNA position 3871, C replaced by T.
Protein change: p.Arg1291Cys; replaces arginine 1291 with cysteine.
Molecular consequence: missense variant.
Genome position (GRCh38, 1-based): chr7:128,846,070, C>T. VCF-style: chr7-128846070-C-T. GRCh37 (hg19) VCF-style: chr7-128486124-C-T.
Other names: c.3871C>T, p.Arg1291Cys (NM_001127487.2); short protein forms R1291C.
Identifiers: ClinVar variation 660170 (VCV000660170.14), dbSNP rs753591663, ClinGen allele CA4475162.